The following is an entry in ClinVar:

NM_001173990.3(TMEM216):c.229+10G>A

Gene: TMEM216 (transmembrane protein 216; plus strand). Cytogenetic location: 11q12.2.
Variant type: single nucleotide variant.
Coding change: c.229+10G>A on transcript NM_001173990.3 (MANE Select); 10 bases into the intron after coding-DNA position 229, G replaced by A.
Molecular consequence: intron variant.
Genome position (GRCh38, 1-based): chr11:61,393,986, G>A. VCF-style: chr11-61393986-G-A. GRCh37 (hg19) VCF-style: chr11-61161458-G-A.
Other names: c.46+10G>A (NM_016499.6, NM_001330285.2); c.229+10G>A (NM_001173991.3, NM_001173991.2).
Identifiers: ClinVar variation 704104 (VCV000704104.14), dbSNP rs1590642512, ClinGen allele CA915948113.
Genomic context (GRCh38, chr11:61,393,986, plus strand): 5'-TGGTGATGCTCCTCCTTTATCTTGGAATTGAAGTAATTCGCCTGTTTTTTGGTAAGTGTT[G>A]TCCAGAGAATATTTCCACTCCTTATGAGACAAGCTGGTATCTGTAACTTGATTAACAAGA-3'

ClinVar aggregate classification (germline): Likely benign. Review status: criteria provided, multiple submitters, no conflicts (2 of 4 stars). 4 submissions from 4 submitters: Likely benign (3). 1 of the submissions does not count toward it. Last evaluated 2026-01-15.

Conditions:
TMEM216-related disorder. Also called: TMEM216-related disorders; TMEM216-related condition.
Joubert syndrome 2 (JBTS2). Also called: CEREBELLOOCULORENAL SYNDROME 2. Identifiers: Orphanet 2318, MedGen C1842577, MONDO:0011963, OMIM 608091.
Joubert syndrome. Also called: Familial aplasia of the vermis; JOUBERT-BOLTSHAUSER SYNDROME. Identifiers: Orphanet 475, MedGen C5979921, MONDO:0018772.

Allele frequency attached by ClinVar (database versions not stated): gnomAD exomes 0.00001.
gnomAD v4.1: 9 of 1,612,530 alleles (0.00056%); highest among the groups gnomAD compares: Non-Finnish European, 0.00076%; no homozygotes.

Submissions (4):

PreventionGenetics, part of Exact Sciences
Classification: Likely benign for TMEM216-related condition. Last evaluated: 2026-01-15. Review status: criteria provided, single submitter. Criteria: ACMG Guidelines, 2015. Collection method: clinical testing. Allele origin: germline.
Comment: This variant is classified as likely benign based on ACMG/AMP sequence variant interpretation guidelines (Richards et al. 2015 PMID: 25741868, with internal and published modifications).

Labcorp Genetics (formerly Invitae), Labcorp
Classification: Likely benign for Joubert syndrome. Last evaluated: 2024-03-28. Review status: criteria provided, single submitter. Criteria: Invitae Variant Classification Sherloc (09022015). Collection method: clinical testing. Allele origin: germline.

Blueprint Genetics
Classification: Likely benign. Last evaluated: 2024-02-27. Review status: criteria provided, single submitter. Criteria: ACMG Guidelines, 2015. Collection method: clinical testing. Allele origin: germline.

Natera, Inc.
Classification: Uncertain significance for Joubert syndrome type 2. Last evaluated: 2020-04-14. Review status: no assertion criteria provided. Collection method: clinical testing. Allele origin: germline. Not counted in ClinVar's aggregate classification.